The following is an entry in ClinVar:

ClinVar aggregate classification (germline): Pathogenic (1 of 4 stars; one submission).

Conditions:
Hematuria, benign familial, 1 (BFH1). Also called: THIN MEMBRANE NEPHROPATHY. Identifiers: MedGen CN376803, MONDO:0007709, OMIM 141200.

Submission:

Centre de Génétique Humaine, Institut de Pathologie Et de Génétique
Classification: Pathogenic for Hematuria, benign familial, 1. Last evaluated: 2026-06-01. Review status: criteria provided, single submitter. Criteria: ACMG Guidelines, 2015. Collection method: clinical testing. Allele origin: germline. Inheritance: Autosomal dominant inheritance. Affected: yes. Observed: 1 variant allele, 1 heterozygote. Segregation with disease not observed.
Comment: Variant located in the canonical donor splice site of intron 34 (PVS1). This variant is rare: absent in gnomAD v4.1.0 database (PM2).

NM_000092.5(COL4A4):c.3214+2T>C

Gene: COL4A4 (collagen type IV alpha 4 chain; minus strand). Cytogenetic location: 2q36.3.
Variant type: single nucleotide variant.
Coding change: c.3214+2T>C on transcript NM_000092.5 (MANE Select); the canonical splice donor site of the intron after coding-DNA position 3214, T replaced by C.
Molecular consequence: splice donor variant.
Genome position (GRCh38, 1-based): chr2:227,050,066, A>G on the plus strand (T>C on the coding strand, the complement: COL4A4 is on the minus strand). VCF-style: chr2-227050066-A-G. GRCh37 (hg19) VCF-style: chr2-227914782-A-G.
Identifiers: ClinVar variation 4884708 (VCV004884708.1).